The following is an entry in ClinVar:

NM_024996.7(GFM1):c.1936C>T (p.Leu646Phe)

Gene: GFM1 (G elongation factor mitochondrial 1; plus strand). Cytogenetic location: 3q25.32.
Variant type: single nucleotide variant.
Coding change: c.1936C>T on transcript NM_024996.7 (MANE Select); coding-DNA position 1936, C replaced by T.
Protein change: p.Leu646Phe; replaces leucine 646 with phenylalanine.
Molecular consequence: missense variant. On other transcripts: non-coding transcript variant (4).
Genome position (GRCh38, 1-based): chr3:158,690,189, C>T. VCF-style: chr3-158690189-C-T. GRCh37 (hg19) VCF-style: chr3-158407978-C-T.
Other names: c.1993C>T, p.Leu665Phe (NM_001308164.2); c.1855C>T, p.Leu619Phe (NM_001374355.1); c.1819C>T, p.Leu607Phe (NM_001374356.1); c.1711C>T, p.Leu571Phe (NM_001374357.1); c.1477C>T, p.Leu493Phe (NM_001374358.1); c.1369C>T, p.Leu457Phe (NM_001374359.1, NM_001374360.1); c.1252C>T, p.Leu418Phe (NM_001374361.1); short protein forms L418F, L457F, L493F, L571F, L607F, L619F, L646F, L665F.
Identifiers: ClinVar variation 1049196 (VCV001049196.1), dbSNP rs2108117070, ClinGen allele CA355182292.
Genomic context (GRCh38, chr3:158,690,189, plus strand): 5'-AAGACTAATGAACTTTTTTTTTTTTTTAACCCAGCCTTGGCAAATGCAACATTATGTATT[C>T]TTGAACCTATTATGGCTGTGGAAGTTGTAGCTCCAAATGAATTTCAGGGACAAGTAATTG-3'
Protein context (NP_079272.4, residues 636-656): QALANATLCI[Leu646Phe]EPIMAVEVVA

ClinVar aggregate classification (germline): Uncertain significance (0 of 4 stars; one submission).

Submission:

Department of Pathology and Laboratory Medicine, Sinai Health System
Classification: Uncertain significance. Review status: no assertion criteria provided. Collection method: clinical testing. Allele origin: unknown. Affected: yes. Study: The Canadian Open Genetics Repository (COGR).
Comment: The GFM1 p.Leu646Phe variant was not identified in the literature nor was it identified in dbSNP, ClinVar, LOVD 3.0, or in the following control databases: the 1000 Genomes Project, the NHLBI GO Exome Sequencing Project, or the Genome Aggregation Database (March 6, 2019, v2.1.1). The p.Leu646 residue is not conserved in mammals and computational analyses (PolyPhen-2, SIFT, AlignGVGD, BLOSUM, MutationTaster) provide inconsistent predictions regarding the impact to the protein; this information is not very predictive of pathogenicity. The variant occurs outside of the splicing consensus sequence and in silico or computational prediction software programs (SpliceSiteFinder, MaxEntScan, NNSPLICE, GeneSplicer) do not predict a difference in splicing. In summary, based on the above information the clinical significance of this variant cannot be determined with certainty at this time. This variant is classified as a variant of uncertain significance.